The following is an entry in ClinVar:

NM_001184.4(ATR):c.5261_5264del (p.Thr1754fs)

Gene: ATR (ATR checkpoint kinase; minus strand). Cytogenetic location: 3q23.
Variant type: Deletion.
Coding change: c.5261_5264del on transcript NM_001184.4 (MANE Select); coding-DNA positions 5261 to 5264, 4 bases deleted (CTCA; older notation c.5261_5264delCTCA).
Protein change: p.Thr1754fs; shifts the reading frame from threonine 1754.
Molecular consequence: frameshift variant.
Genome position (GRCh38, 1-based): chr3:142,503,386-142,503,389, TGAG deleted on the plus strand (CTCA on the coding strand, the reverse complement: ATR is on the minus strand); deleting any 4 consecutive bases within chr3:142,503,386-142,503,392 gives the same sequence; the c. name uses the placement nearest the transcript's 3' end. VCF-style (leftmost placement, unchanged base first): chr3-142503385-CTGAG-C. GRCh37 (hg19) VCF-style: chr3-142222227-CTGAG-C.
Other names: c.5069_5072del, p.Thr1690fs (NM_001354579.2); short protein forms T1690fs, T1754fs.
Identifiers: ClinVar variation 4081197 (VCV004081197.2).

ClinVar aggregate classification (germline): Likely pathogenic. Review status: criteria provided, multiple submitters, no conflicts (2 of 4 stars). 2 submissions from 2 submitters: Likely pathogenic (2). Last evaluated 2024-05-17.

Conditions:
Familial cutaneous telangiectasia and oropharyngeal predisposition cancer syndrome. Identifiers: Orphanet 313846, MedGen C3281203, MONDO:0013806, OMIM 614564.

Submissions (2):

Revvity Omics, Revvity
Classification: Likely pathogenic. Last evaluated: 2024-05-17. Review status: criteria provided, single submitter. Criteria: ACMG Guidelines, 2015. Collection method: clinical testing. Allele origin: germline.

Institute for Genomic Medicine (IGM) Clinical Laboratory, Nationwide Children's Hospital
Classification: Likely pathogenic for Familial cutaneous telangiectasia and oropharyngeal predisposition cancer syndrome. Last evaluated: 2023-03-20. Review status: criteria provided, single submitter. Criteria: ACMG Guidelines, 2015. Collection method: clinical testing. Allele origin: germline.
Comment: This variant is predicted to result in loss of function through nonsense-mediated decay of the encoded transcript or premature truncation of the encoded protein in a gene in which loss of function is a known mechanism of disease (ACMG/AMP: PVS1; PMIDs:22341969, 23144622). This variant is absent from or present at an exceedingly low frequency in gnomAD, a large-scale control population database (ACMG/AMP: PM2).

Literature cited by the submitters: PubMed 22341969 (cited by Institute for Genomic Medicine (IGM) Clinical Laboratory, Nationwide Children's Hospital); PubMed 23144622 (cited by Institute for Genomic Medicine (IGM) Clinical Laboratory, Nationwide Children's Hospital).